The following is an entry in ClinVar:

ClinVar aggregate classification (germline): Uncertain significance (1 of 4 stars; one submission).

Submission:

Women's Health and Genetics/Laboratory Corporation of America, LabCorp
Classification: Uncertain significance. Last evaluated: 2024-02-20. Review status: criteria provided, single submitter. Criteria: LabCorp Variant Classification Summary - May 2015. Collection method: clinical testing. Allele origin: germline.
Comment: Variant summary: BRCA2 c.3096_3100delinsTATCT (p.Lys1032_Ile1034delinsAsnIlePhe) results in an in-frame deletion-insertion that is predicted to delete 3 (Lys-Asp-Ile) and insert 3 (Asn-Ile-Phe) amino acids in the first BRCA2 repeat (amino acids 1000-1036; IPR002093) of the encoded protein sequence. The BRCA2 repeat region consists of eight repeats (BRC) that are critical for binding to RAD51, where BRC1-4 and BRC7-8 are highly conserved and participate in Rad51 binding (PMID 10551859). The variant was absent in 1605858 control chromosomes (gnomAD v4.0). The available data on variant occurrences in the general population are insufficient to allow any conclusion about variant significance. To our knowledge, no occurrence of c.3096_3100delinsTATCT in individuals affected with Hereditary Breast And Ovarian Cancer Syndrome and no experimental evidence demonstrating its impact on protein function have been reported. No submitters have cited clinical-significance assessments for this variant to ClinVar. Based on the evidence outlined above, the variant was classified as uncertain significance.

NM_000059.4(BRCA2):c.3096_3100inv (p.Lys1032_Ile1034delinsAsnIlePhe)

Gene: BRCA2 (BRCA2 DNA repair associated; plus strand). Cytogenetic location: 13q13.1.
Variant type: Inversion.
Coding change: c.3096_3100inv on transcript NM_000059.4 (MANE Select).
Protein change: p.Lys1032_Ile1034delinsAsnIlePhe.
Molecular consequence: missense variant. On other transcripts: non-coding transcript variant (1), intron variant (2).
Genome position: GRCh38 VCF-style: chr13-32337451-AGATA-TATCT. GRCh37 (hg19) VCF-style: chr13-32911588-AGATA-TATCT.
Other names: c.3096_3100inv, p.Lys1032_Ile1034delinsAsnIlePhe (NM_001406719.1, NM_001406720.1); c.1909+4064_1909+4068inv (NM_001406721.1); c.424+6421_424+6425inv (NM_001406722.1); c.3096_3100delinsTATCT (NM_000059.4).
Identifiers: ClinVar variation 3068995 (VCV003068995.2), ClinGen allele CA2825002120.